The following is an entry in ClinVar:

ClinVar aggregate classification (germline): Uncertain significance (1 of 4 stars; one submission).

Submission:

GeneDx
Classification: Uncertain significance. Last evaluated: 2026-03-24. Review status: criteria provided, single submitter. Criteria: GeneDx Variant Classification Process June 2021. Collection method: clinical testing. Allele origin: germline.
Comment: Not observed at significant frequency in large population cohorts (gnomAD); In silico analysis supports that this missense variant has a deleterious effect on protein structure/function; Has not been previously published as pathogenic or benign to our knowledge

NM_001375524.1(TRRAP):c.1655C>T (p.Thr552Ile)

Gene: TRRAP (transformation/transcription domain associated protein; plus strand). Cytogenetic location: 7q22.1.
Variant type: single nucleotide variant.
Coding change: c.1655C>T on transcript NM_001375524.1 (MANE Select); coding-DNA position 1655, C replaced by T.
Protein change: p.Thr552Ile; replaces threonine 552 with isoleucine.
Molecular consequence: missense variant.
Genome position (GRCh38, 1-based): chr7:98,910,360, C>T. VCF-style: chr7-98910360-C-T. GRCh37 (hg19) VCF-style: chr7-98507983-C-T.
Other names: c.1655C>T, p.Thr552Ile (NM_001244580.2, NM_003496.4); short protein forms T552I.
Identifiers: ClinVar variation 5017405 (VCV005017405.1).